The following is an entry in ClinVar:

ClinVar aggregate classification (germline): Uncertain significance (1 of 4 stars; one submission).

Conditions:
Congenital heart defects, multiple types, 2 (CHTD2). Also called: Congenital heart defects, nonsyndromic, 2. Identifiers: Orphanet 664401, MedGen C3554279, MONDO:0014000, OMIM 614980.

Submission:

Institute of Human Genetics, University of Leipzig Medical Center
Classification: Uncertain significance for Congenital heart defects, multiple types, 2. Last evaluated: 2024-07-31. Review status: criteria provided, single submitter. Criteria: ACMG Guidelines, 2015. Collection method: clinical testing. Allele origin: unknown. Inheritance: Autosomal dominant inheritance. Affected: yes.
Comment: Criteria applied: PM2,PM5_SUP,PP2,PP3

NM_001292034.3(TAB2):c.2050T>C (p.Cys684Arg)

Gene: TAB2 (TGF-beta activated kinase 1 (MAP3K7) binding protein 2; plus strand). Cytogenetic location: 6q25.1.
Variant type: single nucleotide variant.
Coding change: c.2050T>C on transcript NM_001292034.3 (MANE Select); coding-DNA position 2050, T replaced by C.
Protein change: p.Cys684Arg; replaces cysteine 684 with arginine.
Molecular consequence: missense variant.
Genome position (GRCh38, 1-based): chr6:149,409,687, T>C. VCF-style: chr6-149409687-T-C. GRCh37 (hg19) VCF-style: chr6-149730823-T-C.
Other names: c.1954T>C, p.Cys652Arg (NM_001292035.3); c.2050T>C, p.Cys684Arg (NM_001369506.1, NM_015093.6); short protein forms C652R, C684R.
Identifiers: ClinVar variation 3359038 (VCV003359038.2).